The following is an entry in ClinVar:

NM_000152.5(GAA):c.1234_1236dup (p.Arg412dup)

Gene: GAA (alpha glucosidase; plus strand). Cytogenetic location: 17q25.3.
Variant type: Duplication.
Coding change: c.1234_1236dup on transcript NM_000152.5 (MANE Select); coding-DNA positions 1234 to 1236, 3 bases duplicated (AGG; older notation c.1234_1236dupAGG).
Protein change: p.Arg412dup; duplicates arginine 412.
Molecular consequence: inframe insertion.
Genome position (GRCh38, 1-based): chr17:80,108,736-80,108,738, AGG duplicated; duplicating any 3 consecutive bases within chr17:80,108,734-80,108,738 gives the same sequence; the c. name uses the placement nearest the transcript's 3' end. VCF-style (leftmost placement, unchanged base first): chr17-80108733-C-CGGA. GRCh37 (hg19) VCF-style: chr17-78082532-C-CGGA.
Other names: c.1234_1236dup, p.Arg412dup (NM_001079803.3, NM_001079804.3).
Identifiers: ClinVar variation 1355688 (VCV001355688.6), dbSNP rs2143857460, ClinGen allele CA2573154959.

ClinVar aggregate classification (germline): Uncertain significance (1 of 4 stars; one submission).

Conditions:
Glycogen storage disease, type II (IOPD). Also called: Glucosidase acid-1,4-alpha deficiency; Pompe Disease; GLYCOGENOSIS, GENERALIZED, CARDIAC FORM; GSD II; Glycogen storage disease type 2; Acid maltase deficiency disease. Identifiers: Orphanet 365, MedGen C0017921, MONDO:0009290, OMIM 232300.

Submission:

Labcorp Genetics (formerly Invitae), Labcorp
Classification: Uncertain significance for Glycogen storage disease, type II. Last evaluated: 2021-05-20. Review status: criteria provided, single submitter. Criteria: Invitae Variant Classification Sherloc (09022015). Collection method: clinical testing. Allele origin: germline.
Comment: In summary, the available evidence is currently insufficient to determine the role of this variant in disease. Therefore, it has been classified as a Variant of Uncertain Significance. Experimental studies and prediction algorithms are not available or were not evaluated, and the functional significance of this variant is currently unknown. This variant has not been reported in the literature in individuals with GAA-related conditions. This variant is not present in population databases (ExAC no frequency). This variant, c.1234_1236dup, results in the insertion of 1 amino acid(s) to the GAA protein (p.Arg412dup), but otherwise preserves the integrity of the reading frame.